The following is an entry in ClinVar:

NM_182961.4(SYNE1):c.13986G>A (p.Lys4662=)

Gene: SYNE1 (spectrin repeat containing nuclear envelope protein 1; minus strand). Cytogenetic location: 6q25.2.
Variant type: single nucleotide variant.
Coding change: c.13986G>A on transcript NM_182961.4 (MANE Select); coding-DNA position 13986, G replaced by A.
Protein change: p.Lys4662=; no amino-acid change (lysine 4662 retained).
Molecular consequence: synonymous variant.
Genome position (GRCh38, 1-based): chr6:152,330,699, C>T on the plus strand (G>A on the coding strand, the complement: SYNE1 is on the minus strand). VCF-style: chr6-152330699-C-T. GRCh37 (hg19) VCF-style: chr6-152651834-C-T.
Other names: p.Lys4591=; c.13773G>A, p.Lys4591= (NM_033071.5); c.13986G>A (NM_182961.2).
Identifiers: ClinVar variation 355871 (VCV000355871.17), dbSNP rs17082484, ClinGen allele CA4056093.

ClinVar aggregate classification (germline): Benign. Review status: criteria provided, multiple submitters, no conflicts (2 of 4 stars). 6 submissions from 5 submitters: Benign (6). Last evaluated 2026-01-26.

Conditions:
Autosomal recessive ataxia, Beauce type. Also called: SYNE1 Deficiency; SYNE1-Related Autosomal Recessive Cerebellar Ataxia; Spinocerebellar ataxia, autosomal recessive 8; ATAXIA, RECESSIVE, OF BEAUCE. Identifiers: Orphanet 88644, MedGen C1853116, MONDO:0012549, OMIM 610743.
Emery-Dreifuss muscular dystrophy 4, autosomal dominant (EDMD4). Also called: EMERY-DREIFUSS MUSCULAR DYSTROPHY 4 WITH VARIABLE FEATURES. Identifiers: Orphanet 261, MedGen C2751807, MONDO:0013071, OMIM 612998.

Allele frequency attached by ClinVar (database versions not stated): gnomAD exomes 0.00060 and 0.00162; ExAC 0.00215; gnomAD 0.00622 and 0.00664; ESP Exome Variant Server 0.00669; 1000 Genomes Project 0.00699; TOPMed 0.00717; 1000 Genomes Project 30x 0.00734.
gnomAD v4.1: 1,855 of 1,614,024 alleles (0.11%); highest among the groups gnomAD compares: African/African-American, 2.2%; 25 homozygotes.

Submissions (6):

Labcorp Genetics (formerly Invitae), Labcorp
Classification: Benign for Emery-Dreifuss muscular dystrophy 4, autosomal dominant; Autosomal recessive ataxia, Beauce type. Last evaluated: 2026-01-26. Review status: criteria provided, single submitter. Criteria: Invitae Variant Classification Sherloc (09022015). Collection method: clinical testing. Allele origin: germline.

Athena Diagnostics
Classification: Benign. Last evaluated: 2025-10-10. Review status: criteria provided, single submitter. Criteria: Athena Diagnostics Criteria. Collection method: clinical testing. Allele origin: unknown.
Comment: The frequency of this variant in the general population is higher than would generally be expected for pathogenic variants in this gene.

Mayo Clinic Laboratories, Mayo Clinic
Classification: Benign. Last evaluated: 2019-01-25. Review status: criteria provided, single submitter. Criteria: ACMG Guidelines, 2015. Collection method: clinical testing. Allele origin: germline. Observed: 7 variant alleles.

Illumina Laboratory Services, Illumina
Classification: Benign for Emery-Dreifuss muscular dystrophy 4, autosomal dominant. Last evaluated: 2018-01-13. Review status: criteria provided, single submitter. Criteria: ICSL Variant Classification Criteria 13 December 2019. Collection method: clinical testing. Allele origin: germline.
Comment: This variant was observed in the ICSL laboratory as part of a predisposition screen in an ostensibly healthy population. It had not been previously curated by ICSL or reported in the Human Gene Mutation Database (HGMD: prior to June 1st, 2018), and was therefore a candidate for classification through an automated scoring system. Utilizing variant allele frequency, disease prevalence and penetrance estimates, and inheritance mode, an automated score was calculated to assess if this variant is too frequent to cause the disease. Based on the score and internal cut-off values, a variant classified as benign is not then subjected to further curation. The score for this variant resulted in a classification of benign for this disease.

Illumina Laboratory Services, Illumina
Classification: Benign for Autosomal recessive ataxia, Beauce type. Last evaluated: 2018-01-13. Review status: criteria provided, single submitter. Criteria: ICSL Variant Classification Criteria 13 December 2019. Collection method: clinical testing. Allele origin: germline.
Comment: the same text as in the submission from Illumina Laboratory Services, Illumina above.

GeneDx
Classification: Benign. Last evaluated: 2016-12-22. Review status: criteria provided, single submitter. Criteria: GeneDx Variant Classification (06012015). Collection method: clinical testing. Allele origin: germline. Affected: yes.
Comment: This variant is considered likely benign or benign based on one or more of the following criteria: it is a conservative change, it occurs at a poorly conserved position in the protein, it is predicted to be benign by multiple in silico algorithms, and/or has population frequency not consistent with disease.